The following is an entry in ClinVar:

ClinVar aggregate classification (germline): Likely pathogenic (1 of 4 stars; one submission).

Conditions:
Neurodevelopmental disorder with coarse facies and mild distal skeletal abnormalities. Also called: STOLERMAN NEURODEVELOPMENTAL SYNDROME. Identifiers: MedGen C5193134, MONDO:0032790, OMIM 618505.

Submission:

Greenwood Genetic Center Diagnostic Laboratories, Greenwood Genetic Center
Classification: Likely pathogenic for Neurodevelopmental disorder with coarse facies and mild distal skeletal abnormalities. Last evaluated: 2022-01-06. Review status: criteria provided, single submitter. Criteria: ACMG Guidelines, 2015. Collection method: clinical testing. Allele origin: germline. Affected: yes.
Comment: PS2, PM2

NM_001348716.2(KDM6B):c.4908+25_4909-50dup

Gene: KDM6B (lysine demethylase 6B; plus strand). Cytogenetic location: 17p13.1.
Variant type: Duplication.
Coding change: c.4908+25_4909-50dup on transcript NM_001348716.2 (MANE Select); 25 bases into the intron after coding-DNA position 4908 through 50 bases into the intron before coding-DNA position 4909, 44 bases duplicated.
Molecular consequence: intron variant. On other transcripts: frameshift variant (1).
Genome position (GRCh38, 1-based): chr17:7,853,405-7,853,448, 44 bases duplicated; duplicating any 44 consecutive bases within chr17:7,853,403-7,853,448 gives the same sequence; the c. name uses the placement nearest the transcript's 3' end. GRCh37 (hg19): chr17:7,756,723-7,756,766.
Other names: c.4933_4976dup, p.Pro1661fs (NM_001080424.2); short protein forms P1661fs.
Identifiers: ClinVar variation 1676564 (VCV001676564.3), dbSNP rs2151380462, ClinGen allele CA2573154742.
Genomic context (GRCh38, chr17:7,853,402, plus strand): 5'-ACTGAGGAGCTGGCTCAGGCCTACGACGCCTTCACGCTGGTGAGGGCCCGGCGGGCGCGC[G>GGGCAGCGGAGGAGGGCACTGGGGCAGGCTGCAGGGACGGGCTTC]GGCAGCGGAGGAGGGCACTGGGGCAGGCTGCAGGGACGGGCTTCGGGAGCCCGGCCGCGC-3'